The following is an entry in ClinVar:

NM_001243133.2(NLRP3):c.919G>C (p.Gly307Arg)

Gene: NLRP3 (NLR family pyrin domain containing 3; plus strand). Cytogenetic location: 1q44.
Variant type: single nucleotide variant.
Coding change: c.919G>C on transcript NM_001243133.2 (MANE Select); coding-DNA position 919, G replaced by C.
Protein change: p.Gly307Arg; replaces glycine 307 with arginine.
Molecular consequence: missense variant.
Genome position (GRCh38, 1-based): chr1:247,424,368, G>C. VCF-style: chr1-247424368-G-C. GRCh37 (hg19) VCF-style: chr1-247587670-G-C.
Other names: c.919G>C, p.Gly307Arg (NM_001079821.3, NM_001127461.3, NM_001127462.3 and 1 more transcripts); c.925G>C, p.Gly309Arg (NM_004895.5); short protein forms G309R, G307R.
Identifiers: ClinVar variation 393082 (VCV000393082.2), dbSNP rs1057524777, ClinGen allele CA16603604.

ClinVar aggregate classification (germline): Likely pathogenic (1 of 4 stars; one submission).

Submission:

GeneDx
Classification: Likely pathogenic. Last evaluated: 2017-01-18. Review status: criteria provided, single submitter. Criteria: GeneDx Variant Classification (06012015). Collection method: clinical testing. Allele origin: germline. Affected: yes.
Comment: The G309R variant has not been published as a pathogenic variant, nor has it been reported as a benign variant to our knowledge. G309R was not observed in approximately 6500 individuals of European and African American ancestry in the NHLBI Exome Sequencing Project, indicating it is not a common benign variant in these populations. The G309R variant is a non-conservative amino acid substitution, which is likely to impact secondary protein structure as these residues differ in polarity, charge, size and/or other properties. This substitution occurs at a position in the NACHT domain that is conserved in mammals, yet in silico analysis is inconsistent in its predictions as to whether or not the variant is damaging to the protein structure/function. Missense variants in the same (G309S) and nearby residues (F304L, D305N/H/G, E306K, L307P, Q308K, F311S, E313K, H314P) have been reported in the Human Gene Mutation Database in association with NLRP3-associated conditions (Stenson et al., 2014), supporting the functional importance of this region of the protein. Therefore, this variant is likely pathogenic; however, the possibility that it is benign cannot be excluded.